The following is an entry in ClinVar:

ClinVar aggregate classification (germline): Likely pathogenic. Review status: criteria provided, single submitter (1 of 4 stars). 2 submissions from 2 submitters: Likely pathogenic (1). 1 of the submissions does not count toward it. Last evaluated 2024-01-09.

Conditions:
Charcot-Marie-Tooth disease. Also called: Charcot-Marie-Tooth Neuropathy; Charcot-Marie-Tooth Hereditary Neuropathy. Identifiers: Orphanet 166, MedGen C0007959, MONDO:0015626.
Charcot-Marie-Tooth disease type 2. Also called: Charcot-Marie-Tooth type 2. Identifiers: Orphanet 64746, MedGen C0270914, MONDO:0018993.

Submissions (2):

Labcorp Genetics (formerly Invitae), Labcorp
Classification: Likely pathogenic for Charcot-Marie-Tooth disease type 2. Last evaluated: 2024-01-09. Review status: criteria provided, single submitter. Criteria: Invitae Variant Classification Sherloc (09022015). Collection method: clinical testing. Allele origin: germline.
Comment: This sequence change replaces phenylalanine, which is neutral and non-polar, with leucine, which is neutral and non-polar, at codon 223 of the MFN2 protein (p.Phe223Leu). This variant is not present in population databases (gnomAD no frequency). This missense change has been observed in individuals with autosomal dominant Charcot-Marie-Tooth disease (PMID: 15549395, 23733358). ClinVar contains an entry for this variant (Variation ID: 637299). Advanced modeling of protein sequence and biophysical properties (such as structural, functional, and spatial information, amino acid conservation, physicochemical variation, residue mobility, and thermodynamic stability) performed at Invitae indicates that this missense variant is expected to disrupt MFN2 protein function with a positive predictive value of 95%. In summary, the currently available evidence indicates that the variant is pathogenic, but additional data are needed to prove that conclusively. Therefore, this variant has been classified as Likely Pathogenic.

Inherited Neuropathy Consortium
Classification: Uncertain significance for Charcot-Marie-Tooth disease. Review status: no assertion criteria provided. Collection method: literature only. Allele origin: germline. Affected: yes. Not counted in ClinVar's aggregate classification.

Literature cited by the submitters: PubMed 15549395 (cited by Labcorp Genetics (formerly Invitae), Labcorp and Inherited Neuropathy Consortium); PubMed 23733358 (cited by Labcorp Genetics (formerly Invitae), Labcorp).

NM_014874.4(MFN2):c.669T>A (p.Phe223Leu)

Gene: MFN2 (mitofusin 2; plus strand). Cytogenetic location: 1p36.22.
Variant type: single nucleotide variant.
Coding change: c.669T>A on transcript NM_014874.4 (MANE Select); coding-DNA position 669, T replaced by A.
Protein change: p.Phe223Leu; replaces phenylalanine 223 with leucine.
Molecular consequence: missense variant.
Genome position (GRCh38, 1-based): chr1:11,998,839, T>A. VCF-style: chr1-11998839-T-A. GRCh37 (hg19) VCF-style: chr1-12058896-T-A.
Other names: c.669T>A, p.Phe223Leu (NM_001127660.2); short protein forms F223L.
Identifiers: ClinVar variation 637299 (VCV000637299.4), dbSNP rs1440006845, ClinGen allele CA338438282.